The following is an entry in ClinVar:

ClinVar aggregate classification (germline): Uncertain significance (1 of 4 stars; one submission).

Conditions:
GLUT1 deficiency syndrome 1, autosomal recessive. Identifiers: MedGen C3149117.

Submission:

Labcorp Genetics (formerly Invitae), Labcorp
Classification: Uncertain significance for GLUT1 deficiency syndrome 1, autosomal recessive. Last evaluated: 2022-08-15. Review status: criteria provided, single submitter. Criteria: Invitae Variant Classification Sherloc (09022015). Collection method: clinical testing. Allele origin: germline.
Comment: Variants that disrupt the consensus splice site are a relatively common cause of aberrant splicing (PMID: 17576681, 9536098). Algorithms developed to predict the effect of sequence changes on RNA splicing suggest that this variant is not likely to affect RNA splicing. In summary, the available evidence is currently insufficient to determine the role of this variant in disease. Therefore, it has been classified as a Variant of Uncertain Significance. This sequence change falls in intron 5 of the SLC2A1 gene. It does not directly change the encoded amino acid sequence of the SLC2A1 protein. It affects a nucleotide within the consensus splice site. This variant is not present in population databases (gnomAD no frequency). This variant has not been reported in the literature in individuals affected with SLC2A1-related conditions. ClinVar contains an entry for this variant (Variation ID: 1437075).

Literature cited by the submitters: PubMed 17576681; PubMed 9536098.

NM_006516.4(SLC2A1):c.679+5G>C

Gene: SLC2A1 (solute carrier family 2 member 1; minus strand). Cytogenetic location: 1p34.2.
Variant type: single nucleotide variant.
Coding change: c.679+5G>C on transcript NM_006516.4 (MANE Select); 5 bases into the intron after coding-DNA position 679, G replaced by C.
Molecular consequence: intron variant.
Genome position (GRCh38, 1-based): chr1:42,929,868, C>G on the plus strand (G>C on the coding strand, the complement: SLC2A1 is on the minus strand). VCF-style: chr1-42929868-C-G. GRCh37 (hg19) VCF-style: chr1-43395539-C-G.
Identifiers: ClinVar variation 1437075 (VCV001437075.6), dbSNP rs771386274, ClinGen allele CA2573132300.